The following is an entry in ClinVar:

ClinVar aggregate classification (germline): Uncertain significance (1 of 4 stars; one submission).

Conditions:
Hereditary cancer-predisposing syndrome. Also called: Tumor predisposition; Hereditary neoplastic syndrome; Hereditary Cancer Syndrome; Neoplastic Syndromes, Hereditary. Identifiers: Orphanet 140162, MedGen C0027672, MeSH D009386, MONDO:0015356.

Submission:

Ambry Genetics
Classification: Uncertain significance for Hereditary cancer-predisposing syndrome. Last evaluated: 2025-05-01. Review status: criteria provided, single submitter. Criteria: Ambry Variant Classification Scheme 2023. Collection method: clinical testing. Allele origin: germline.
Comment: The p.R828S variant (also known as c.2484A>C), located in coding exon 23 of the RB1 gene, results from an A to C substitution at nucleotide position 2484. The arginine at codon 828 is replaced by serine, an amino acid with dissimilar properties. This amino acid position is conserved. In addition, the in silico prediction for this alteration is inconclusive. Based on the available evidence, the clinical significance of this variant remains unclear.

NM_000321.3(RB1):c.2484A>C (p.Arg828Ser)

Gene: RB1 (RB transcriptional corepressor 1; plus strand). Cytogenetic location: 13q14.2.
Variant type: single nucleotide variant.
Coding change: c.2484A>C on transcript NM_000321.3 (MANE Select); coding-DNA position 2484, A replaced by C.
Protein change: p.Arg828Ser; replaces arginine 828 with serine.
Molecular consequence: missense variant.
Genome position (GRCh38, 1-based): chr13:48,465,363, A>C. VCF-style: chr13-48465363-A-C. GRCh37 (hg19) VCF-style: chr13-49039499-A-C.
Other names: c.2484A>C, p.Arg828Ser (NM_001407165.1); short protein forms R828S.
Identifiers: ClinVar variation 3943351 (VCV003943351.1).
Genomic context (GRCh38, chr13:48,465,363, plus strand): 5'-CCTGAAGAGTCCATATAAAATTTCAGAAGGTCTGCCAACACCAACAAAAATGACTCCAAG[A>C]TCAAGGTGTGTGTTTTCTCTTTAGGGAAGTAGTAAAGAATGAGAGGGGGATTATTTTGAT-3'
Protein context (NP_000312.2, residues 818-838): GLPTPTKMTP[Arg828Ser]SRILVSIGES